The following is an entry in ClinVar:

ClinVar aggregate classification (germline): Uncertain significance (1 of 4 stars; one submission).

Conditions:
Congenital heart defects and skeletal malformations syndrome. Identifiers: Orphanet 643503, MedGen C4539857, MONDO:0060532, OMIM 617602.

Submission:

Baylor Genetics
Classification: Uncertain significance for Congenital heart defects and skeletal malformations syndrome. Last evaluated: 2018-09-10. Review status: criteria provided, single submitter. Criteria: ACMG Guidelines, 2015. Collection method: clinical testing. Allele origin: paternal. Affected: yes.
Comment: This variant was determined to be of uncertain significance according to ACMG Guidelines, 2015 [PMID:25741868].

NM_005157.6(ABL1):c.3109G>C (p.Glu1037Gln)

Gene: ABL1 (ABL proto-oncogene 1, non-receptor tyrosine kinase; plus strand). Cytogenetic location: 9q34.12.
Variant type: single nucleotide variant.
Coding change: c.3109G>C on transcript NM_005157.6 (MANE Select); coding-DNA position 3109, G replaced by C.
Protein change: p.Glu1037Gln; replaces glutamic acid 1037 with glutamine.
Molecular consequence: missense variant.
Genome position (GRCh38, 1-based): chr9:130,885,399, G>C. VCF-style: chr9-130885399-G-C. GRCh37 (hg19) VCF-style: chr9-133760786-G-C.
Other names: c.3166G>C, p.Glu1056Gln (NM_007313.3); short protein forms E1037Q, E1056Q.
Identifiers: ClinVar variation 1034373 (VCV001034373.1), dbSNP rs1330364358, ClinGen allele CA375261103.